The following is an entry in ClinVar:

NM_006371.5(CRTAP):c.289G>C (p.Ala97Pro)

Gene: CRTAP (cartilage associated protein; plus strand). Cytogenetic location: 3p22.3.
Variant type: single nucleotide variant.
Coding change: c.289G>C on transcript NM_006371.5 (MANE Select); coding-DNA position 289, G replaced by C.
Protein change: p.Ala97Pro; replaces alanine 97 with proline.
Molecular consequence: missense variant.
Genome position (GRCh38, 1-based): chr3:33,114,366, G>C. VCF-style: chr3-33114366-G-C. GRCh37 (hg19) VCF-style: chr3-33155858-G-C.
Other names: c.289G>C, p.Ala97Pro (NM_001393363.1, NM_001393364.1, NM_001393365.1); short protein forms A97P.
Identifiers: ClinVar variation 439558 (VCV000439558.17), dbSNP rs200243989, ClinGen allele CA2300240.

ClinVar aggregate classification (germline): Uncertain significance. Review status: criteria provided, multiple submitters, no conflicts (2 of 4 stars). 5 submissions from 5 submitters: Uncertain significance (4). 1 of the submissions does not count toward it. Last evaluated 2025-08-02.

Conditions:
CRTAP-related disorder. Also called: CRTAP-related condition.
Osteogenesis imperfecta type 7 (OI7). Also called: OI type 7; OI type VII; OSTEOGENESIS IMPERFECTA, TYPE IIB; Osteogenesis imperfecta type 2B; OI type 2B; Osteogenesis imperfecta, perinatal lethal autosomal recessive. Identifiers: MedGen C1853162, MONDO:0012536, OMIM 610682.
Inborn genetic diseases. Identifiers: MedGen C0950123, MeSH D030342.

Allele frequency attached by ClinVar (database versions not stated): gnomAD exomes 0.00004 and 0.00006; ExAC 0.00016; gnomAD 0.00054 and 0.00055; 1000 Genomes Project 30x 0.00078; 1000 Genomes Project 0.00080; TOPMed 0.00129.

Submissions (5):

Ambry Genetics
Classification: Uncertain significance for Inborn genetic diseases. Last evaluated: 2025-08-02. Review status: criteria provided, single submitter. Criteria: Ambry Variant Classification Scheme 2023. Collection method: clinical testing. Allele origin: germline.

Labcorp Genetics (formerly Invitae), Labcorp
Classification: Uncertain significance for Osteogenesis imperfecta type 7. Last evaluated: 2022-09-07. Review status: criteria provided, single submitter. Criteria: Invitae Variant Classification Sherloc (09022015). Collection method: clinical testing. Allele origin: germline.
Comment: This sequence change replaces alanine, which is neutral and non-polar, with proline, which is neutral and non-polar, at codon 97 of the CRTAP protein (p.Ala97Pro). This variant is present in population databases (rs200243989, gnomAD 0.04%). This variant has not been reported in the literature in individuals affected with CRTAP-related conditions. ClinVar contains an entry for this variant (Variation ID: 439558). Algorithms developed to predict the effect of missense changes on protein structure and function output the following: SIFT: "Tolerated"; PolyPhen-2: "Benign"; Align-GVGD: "Class C0". The proline amino acid residue is found in multiple mammalian species, which suggests that this missense change does not adversely affect protein function. In summary, the available evidence is currently insufficient to determine the role of this variant in disease. Therefore, it has been classified as a Variant of Uncertain Significance.

ARUP Laboratories, Molecular Genetics and Genomics, ARUP Laboratories
Classification: Uncertain significance. Last evaluated: 2017-02-06. Review status: criteria provided, single submitter. Criteria: ARUP Molecular Germline Variant Investigation Process. Collection method: clinical testing. Allele origin: germline.

Breakthrough Genomics
Classification: Uncertain significance. Review status: criteria provided, single submitter. Criteria: ACMG Guidelines, 2015. Collection method: not provided. Allele origin: germline. Inheritance: Autosomal recessive inheritance. Affected: yes.

PreventionGenetics, part of Exact Sciences
Classification: Uncertain significance for CRTAP-related condition. Last evaluated: 2024-02-07. Review status: no assertion criteria provided. Collection method: clinical testing. Allele origin: germline. Not counted in ClinVar's aggregate classification.
Comment: The CRTAP c.289G>C variant is predicted to result in the amino acid substitution p.Ala97Pro. To our knowledge, this variant has not been reported in the literature. This variant is reported in 0.038% of alleles in individuals of Latino descent in gnomAD. At this time, the clinical significance of this variant is uncertain due to the absence of conclusive functional and genetic evidence.